The following is an entry in ClinVar:

ClinVar aggregate classification (germline): Likely pathogenic (0 of 4 stars; one submission).

Conditions:
Chronic progressive multiple sclerosis. Identifiers: MedGen C0393665, MONDO:0005284.

Submission:

Demyelinating Disease Laboratories, VA Medical Center and University of Tennessee
Classification: Likely pathogenic. Review status: no assertion criteria provided. Collection method: not provided. Allele origin: somatic.
ClinVar note: Converted during submission from probable-pathogenic to Likely pathogenic.

NM_031157.4(HNRNPA1):c.1040A>G (p.Tyr347Cys)

Gene: HNRNPA1 (heterogeneous nuclear ribonucleoprotein A1; plus strand). Cytogenetic location: 12q13.13.
Variant type: single nucleotide variant.
Coding change: c.1040A>G on transcript NM_031157.4 (MANE Select); coding-DNA position 1040, A replaced by G.
Protein change: p.Tyr347Cys; replaces tyrosine 347 with cysteine.
Molecular consequence: missense variant. On other transcripts: non-coding transcript variant (1).
Genome position (GRCh38, 1-based): chr12:54,283,944, A>G. VCF-style: chr12-54283944-A-G. GRCh37 (hg19) VCF-style: chr12-54677728-A-G.
Other names: c.884A>G, p.Tyr295Cys (NM_002136.4); short protein forms Y347C, Y295C.
Identifiers: ClinVar variation 135603 (VCV000135603.2), dbSNP rs483353034, ClinGen allele CA163068.